The following is an entry in ClinVar:

ClinVar aggregate classification (germline): Likely benign. Review status: criteria provided, multiple submitters, no conflicts (2 of 4 stars). 4 submissions from 4 submitters: Likely benign (3). 1 of the submissions does not count toward it. Last evaluated 2026-01-29.

Conditions:
Acyl-CoA oxidase deficiency. Also called: STRAIGHT-CHAIN ACYL-CoA OXIDASE DEFICIENCY; Peroxisomal acyl-CoA oxidase deficiency; Pseudoneonatal adrenoleukodystrophy. Identifiers: Orphanet 2971, MedGen C1849678, MONDO:0009919, OMIM 264470. Disease mechanism: loss of function.
ACOX1-related disorder. Also called: ACOX1-related disorders; ACOX1-related condition.

Allele frequency attached by ClinVar (database versions not stated): gnomAD below 0.00001 and 0.00002; TOPMed 0.00001; gnomAD exomes 0.00003 and 0.00006; ExAC 0.00007; 1000 Genomes Project 30x 0.00016; 1000 Genomes Project 0.00020.
gnomAD v4.1: 52 of 1,613,942 alleles (0.0032%); highest among the groups gnomAD compares: South Asian, 0.051%; 1 homozygote.

Submissions (4):

PreventionGenetics, part of Exact Sciences
Classification: Likely benign for ACOX1-related condition. Last evaluated: 2026-01-29. Review status: criteria provided, single submitter. Criteria: ACMG Guidelines, 2015. Collection method: clinical testing. Allele origin: germline.
Comment: This variant is classified as likely benign based on ACMG/AMP sequence variant interpretation guidelines (Richards et al. 2015 PMID: 25741868, with internal and published modifications).

Blueprint Genetics
Classification: Likely benign. Last evaluated: 2024-03-22. Review status: criteria provided, single submitter. Criteria: ACMG Guidelines, 2015. Collection method: clinical testing. Allele origin: germline.

Labcorp Genetics (formerly Invitae), Labcorp
Classification: Likely benign for Acyl-CoA oxidase deficiency. Last evaluated: 2024-03-20. Review status: criteria provided, single submitter. Criteria: Invitae Variant Classification Sherloc (09022015). Collection method: clinical testing. Allele origin: germline.

Natera, Inc.
Classification: Likely benign for Peroxisomal acyl CoA oxidase deficiency. Last evaluated: 2020-08-25. Review status: no assertion criteria provided. Collection method: clinical testing. Allele origin: germline. Not counted in ClinVar's aggregate classification.

NM_004035.7(ACOX1):c.945-5C>T

Gene: ACOX1 (acyl-CoA oxidase 1; minus strand). Cytogenetic location: 17q25.1.
Variant type: single nucleotide variant.
Coding change: c.945-5C>T on transcript NM_004035.7 (MANE Select); 5 bases into the intron before coding-DNA position 945, C replaced by T.
Molecular consequence: intron variant.
Genome position (GRCh38, 1-based): chr17:75,951,582, G>A on the plus strand (C>T on the coding strand, the complement: ACOX1 is on the minus strand). VCF-style: chr17-75951582-G-A. GRCh37 (hg19) VCF-style: chr17-73947663-G-A.
Other names: c.945-5C>T (NM_007292.6); c.831-5C>T (NM_001185039.2).
Identifiers: ClinVar variation 794893 (VCV000794893.14), dbSNP rs565971118, ClinGen allele CA8776873.